The following is an entry in ClinVar:

NM_032638.5(GATA2):c.872-13T>A

Gene: GATA2 (GATA binding protein 2; minus strand). Cytogenetic location: 3q21.3.
Variant type: single nucleotide variant.
Coding change: c.872-13T>A on transcript NM_032638.5 (MANE Select); 13 bases into the intron before coding-DNA position 872, T replaced by A.
Molecular consequence: intron variant.
Genome position (GRCh38, 1-based): chr3:128,484,018, A>T on the plus strand (T>A on the coding strand, the complement: GATA2 is on the minus strand). VCF-style: chr3-128484018-A-T. GRCh37 (hg19) VCF-style: chr3-128202861-A-T.
Other names: c.872-13T>A (NM_001145662.1, NM_001145661.2).
Identifiers: ClinVar variation 2444544 (VCV002444544.1), dbSNP rs1372175745, ClinGen allele CA2580068734.

ClinVar aggregate classification (germline): Uncertain significance (1 of 4 stars; one submission).

Submission:

GeneDx
Classification: Uncertain significance. Last evaluated: 2022-09-19. Review status: criteria provided, single submitter. Criteria: GeneDx Variant Classification Process June 2021. Collection method: clinical testing. Allele origin: germline. Affected: yes.
Comment: Not observed at significant frequency in large population cohorts (gnomAD); In silico analysis supports a deleterious effect on splicing; Has not been previously published as pathogenic or benign to our knowledge